The following is an entry in ClinVar:

ClinVar aggregate classification (germline): Likely pathogenic. Review status: criteria provided, multiple submitters, no conflicts (2 of 4 stars). 4 submissions from 3 submitters: Likely pathogenic (4). Last evaluated 2021-08-31.

Conditions:
Intellectual disability. Also called: Intellectual developmental disorder; Intellectual functioning disability; intellectual disabilities. Identifiers: MedGen C3714756, MeSH D008607, MONDO:0001071, HP:0001249.
Baraitser-Winter syndrome 1 (BRWS1). Also called: BARAITSER-WINTER SYNDROME 1, ATYPICAL; PACHYGYRIA, MENTAL RETARDATION, EPILEPSY, AND CHARACTERISTIC FACIES; MENTAL RETARDATION WITH EPILEPSY AND CHARACTERISTIC FACIES; Cerebrofrontofacial syndrome. Identifiers: Orphanet 2649, Orphanet 2995, MedGen C1855722, MONDO:0009470, OMIM 243310.

Submissions (4):

Labcorp Genetics (formerly Invitae), Labcorp
Classification: Likely pathogenic for Baraitser-Winter syndrome 1. Last evaluated: 2021-08-31. Review status: criteria provided, single submitter. Criteria: Invitae Variant Classification Sherloc (09022015). Collection method: clinical testing. Allele origin: germline.

CENTOGENE GmbH and LLC - Guiding Precision Medicine
Classification: Likely pathogenic for Baraitser-Winter syndrome 1. Last evaluated: 2021-06-09. Review status: criteria provided, single submitter. Criteria: ACMG Guidelines, 2015. Collection method: clinical testing. Allele origin: de novo. Affected: yes.

Institute of Human Genetics, University of Leipzig Medical Center
Classification: Likely pathogenic for Intellectual disability. Last evaluated: 2020-08-03. Review status: criteria provided, single submitter. Criteria: ACMG Guidelines, 2015. Collection method: clinical testing. Allele origin: de novo. Affected: yes.

Institute of Human Genetics, University of Leipzig Medical Center
Classification: Likely pathogenic for Baraitser-Winter syndrome 1. Last evaluated: 2018-12-04. Review status: criteria provided, single submitter. Criteria: ACMG Guidelines, 2015. Collection method: clinical testing. Allele origin: germline. Affected: yes. Observed: 1 variant allele.

NM_001101.5(ACTB):c.19G>A (p.Ala7Thr)

Gene: ACTB (actin beta; minus strand). Cytogenetic location: 7p22.1.
Variant type: single nucleotide variant.
Coding change: c.19G>A on transcript NM_001101.5 (MANE Select); coding-DNA position 19, G replaced by A.
Protein change: p.Ala7Thr; replaces alanine 7 with threonine.
Molecular consequence: missense variant.
Genome position (GRCh38, 1-based): chr7:5,529,639, C>T on the plus strand (G>A on the coding strand, the complement: ACTB is on the minus strand). VCF-style: chr7-5529639-C-T. GRCh37 (hg19) VCF-style: chr7-5569270-C-T.
Other names: c.19G>A (LRG_132t1); short protein forms A7T.
Identifiers: ClinVar variation 577358 (VCV000577358.7), dbSNP rs1562720119, ClinGen allele CA366707306.